The following is an entry in ClinVar:

NM_000245.4(MET):c.698C>G (p.Ser233Cys)

Gene: MET (MET proto-oncogene, receptor tyrosine kinase; plus strand). Cytogenetic location: 7q31.2.
Variant type: single nucleotide variant.
Coding change: c.698C>G on transcript NM_000245.4 (MANE Select); coding-DNA position 698, C replaced by G.
Protein change: p.Ser233Cys; replaces serine 233 with cysteine.
Molecular consequence: missense variant. On other transcripts: intron variant (1).
Genome position (GRCh38, 1-based): chr7:116,699,782, C>G. VCF-style: chr7-116699782-C-G. GRCh37 (hg19) VCF-style: chr7-116339836-C-G.
Other names: c.698C>G, p.Ser233Cys (NM_001127500.3, NM_001324401.3); c.-91+27205C>G (NM_001324402.2); short protein forms S233C.
Identifiers: ClinVar variation 1756457 (VCV001756457.2), dbSNP rs2116595626, ClinGen allele CA368969652.

ClinVar aggregate classification (germline): Uncertain significance (1 of 4 stars; one submission).

Conditions:
Hereditary cancer-predisposing syndrome. Also called: Neoplastic Syndromes, Hereditary; Tumor predisposition; Hereditary Cancer Syndrome; Hereditary neoplastic syndrome. Identifiers: Orphanet 140162, MedGen C0027672, MeSH D009386, MONDO:0015356.

Submission:

Ambry Genetics
Classification: Uncertain significance for Hereditary cancer-predisposing syndrome. Last evaluated: 2022-05-16. Review status: criteria provided, single submitter. Criteria: Ambry Variant Classification Scheme 2023. Collection method: clinical testing. Allele origin: germline.
Comment: The p.S233C variant (also known as c.698C>G), located in coding exon 1 of the MET gene, results from a C to G substitution at nucleotide position 698. The serine at codon 233 is replaced by cysteine, an amino acid with dissimilar properties. This amino acid position is conserved. In addition, the in silico prediction for this alteration is inconclusive. Since supporting evidence is limited at this time, the clinical significance of this alteration remains unclear.